The following is an entry in ClinVar:

NM_001191061.2(SLC25A22):c.234C>T (p.Pro78=)

Gene: SLC25A22 (solute carrier family 25 member 22; minus strand). Cytogenetic location: 11p15.5.
Variant type: single nucleotide variant.
Coding change: c.234C>T on transcript NM_001191061.2 (MANE Select); coding-DNA position 234, C replaced by T.
Protein change: p.Pro78=; no amino-acid change (proline 78 retained).
Molecular consequence: synonymous variant.
Genome position (GRCh38, 1-based): chr11:793,588, G>A on the plus strand (C>T on the coding strand, the complement: SLC25A22 is on the minus strand). VCF-style: chr11-793588-G-A. GRCh37 (hg19) VCF-style: chr11-793588-G-A.
Other names: p.Pro78=; c.234C>T, p.Pro78= (NM_001191060.2, NM_024698.6).
Identifiers: ClinVar variation 159913 (VCV000159913.29), dbSNP rs80335370, ClinGen allele CA173474.
Genomic context (GRCh38, chr11:793,588, plus strand): 5'-CCCGTCCTTAGAGAGCTGATGTCGGAAGAAGTCGTTGGCTGCCAGCTTGATGGCCTTCTC[G>A]GGGGTGACGAGGGTCAAGTTCACAGCAGCTCCTGTGGGGCAGGGGGTCAGCTGGGGGGAC-3'
Protein context (NP_001177990.1, residues 68-88): GAAVNLTLVT[Pro78=]EKAIKLAAND

ClinVar aggregate classification (germline): Benign. Review status: criteria provided, multiple submitters, no conflicts (2 of 4 stars). 10 submissions from 10 submitters: Benign (10). Last evaluated 2026-02-03.

Conditions:
Inborn genetic diseases. Identifiers: MedGen C0950123, MeSH D030342.
Early-infantile DEE. Also called: Early infantile epileptic encephalopathy with suppression bursts; Early infantile epileptic encephalopathy; Ohtahara syndrome. Identifiers: Orphanet 1934, MedGen C0393706, MONDO:0800491.
Early Myoclonic Encephalopathy. Identifiers: MedGen C0270855.

Allele frequency attached by ClinVar (database versions not stated): 1000 Genomes Project 0.06669; 1000 Genomes Project 30x 0.06746; TOPMed 0.08980; gnomAD 0.09426 and 0.09454; ESP Exome Variant Server 0.09436; ExAC 0.09625; gnomAD exomes 0.09654.

Submissions (10):

Labcorp Genetics (formerly Invitae), Labcorp
Classification: Benign for Early-infantile DEE. Last evaluated: 2026-02-03. Review status: criteria provided, single submitter. Criteria: Invitae Variant Classification Sherloc (09022015). Collection method: clinical testing. Allele origin: germline.

Blueprint Genetics
Classification: Benign. Last evaluated: 2024-11-27. Review status: criteria provided, single submitter. Criteria: ACMG Guidelines, 2015. Collection method: clinical testing. Allele origin: germline.

Mayo Clinic Laboratories, Mayo Clinic
Classification: Benign. Last evaluated: 2022-10-27. Review status: criteria provided, single submitter. Criteria: ACMG Guidelines, 2015. Collection method: clinical testing. Allele origin: germline. Observed: 133 variant alleles.

Athena Diagnostics
Classification: Benign. Last evaluated: 2018-05-07. Review status: criteria provided, single submitter. Criteria: Athena Diagnostics Criteria. Collection method: clinical testing. Allele origin: germline.

Illumina Laboratory Services, Illumina
Classification: Benign for Developmental and epileptic encephalopathy, 3. Last evaluated: 2018-01-13. Review status: criteria provided, single submitter. Criteria: ICSL Variant Classification Criteria 13 December 2019. Collection method: clinical testing. Allele origin: germline.
Comment: This variant was observed in the ICSL laboratory as part of a predisposition screen in an ostensibly healthy population. It had not been previously curated by ICSL or reported in the Human Gene Mutation Database (HGMD: prior to June 1st, 2018), and was therefore a candidate for classification through an automated scoring system. Utilizing variant allele frequency, disease prevalence and penetrance estimates, and inheritance mode, an automated score was calculated to assess if this variant is too frequent to cause the disease. Based on the score and internal cut-off values, a variant classified as benign is not then subjected to further curation. The score for this variant resulted in a classification of benign for this disease.

Ambry Genetics
Classification: Benign for Inborn genetic diseases. Last evaluated: 2016-01-18. Review status: criteria provided, single submitter. Criteria: Ambry Variant Classification Scheme 2023. Collection method: clinical testing. Allele origin: germline.

GeneDx
Classification: Benign. Last evaluated: 2015-03-03. Review status: criteria provided, single submitter. Criteria: GeneDx Variant Classification Process June 2021. Collection method: clinical testing. Allele origin: germline. Affected: yes.

Genetic Services Laboratory, University of Chicago
Classification: Benign. Last evaluated: 2013-02-08. Review status: criteria provided, single submitter. Criteria: ACMG Guidelines, 2007. Collection method: clinical testing. Allele origin: germline. Inheritance: Autosomal recessive inheritance.

Breakthrough Genomics
Classification: Benign. Review status: criteria provided, single submitter. Criteria: ACMG Guidelines, 2015. Collection method: not provided. Allele origin: germline. Inheritance: Autosomal recessive inheritance. Affected: yes.

PreventionGenetics, part of Exact Sciences
Classification: Benign. Review status: criteria provided, single submitter. Criteria: ACMG Guidelines, 2015. Collection method: clinical testing. Allele origin: germline.